The following is an entry in ClinVar:

ClinVar aggregate classification (germline): Likely benign. Review status: criteria provided, multiple submitters, no conflicts (2 of 4 stars). 4 submissions from 4 submitters: Likely benign (3). 1 of the submissions does not count toward it. Last evaluated 2026-01-20.

Conditions:
Citrullinemia. Identifiers: Orphanet 187, MedGen C0175683, MONDO:0015991.
Citrullinemia type I (CTNL1). Also called: ASS DEFICIENCY; argininosuccinate synthetase deficiency. Identifiers: Orphanet 247525, MedGen C4721769, MONDO:0008988, OMIM 215700.

Allele frequency attached by ClinVar (database versions not stated): gnomAD 0.00001; gnomAD exomes 0.00001 and 0.00004; TOPMed 0.00002; ExAC 0.00004.
gnomAD v4.1: 21 of 1,614,032 alleles (0.0013%); highest among the groups gnomAD compares: Admixed American, 0.013%; no homozygotes.

Submissions (4):

Labcorp Genetics (formerly Invitae), Labcorp
Classification: Likely benign for Citrullinemia. Last evaluated: 2026-01-20. Review status: criteria provided, single submitter. Criteria: Invitae Variant Classification Sherloc (09022015). Collection method: clinical testing. Allele origin: germline.

ARUP Laboratories, Molecular Genetics and Genomics, ARUP Laboratories
Classification: Likely benign for Citrullinemia type I. Last evaluated: 2023-08-26. Review status: criteria provided, single submitter. Criteria: ARUP Molecular Germline Variant Investigation Process 2024. Collection method: clinical testing. Allele origin: germline.

GeneDx
Classification: Likely benign. Last evaluated: 2016-07-22. Review status: criteria provided, single submitter. Criteria: GeneDx Variant Classification (06012015). Collection method: clinical testing. Allele origin: germline. Affected: yes.
Comment: This variant is considered likely benign or benign based on one or more of the following criteria: it is a conservative change, it occurs at a poorly conserved position in the protein, it is predicted to be benign by multiple in silico algorithms, and/or has population frequency not consistent with disease.

Natera, Inc.
Classification: Likely benign for Citrullinemia type I. Last evaluated: 2021-02-03. Review status: no assertion criteria provided. Collection method: clinical testing. Allele origin: germline. Not counted in ClinVar's aggregate classification.

NM_054012.4(ASS1):c.711C>T (p.Asn237=)

Gene: ASS1 (argininosuccinate synthase 1; plus strand). Cytogenetic location: 9q34.11.
Variant type: single nucleotide variant.
Coding change: c.711C>T on transcript NM_054012.4 (MANE Select); coding-DNA position 711, C replaced by T.
Protein change: p.Asn237=; no amino-acid change (asparagine 237 retained).
Molecular consequence: synonymous variant.
Genome position (GRCh38, 1-based): chr9:130,479,738, C>T. VCF-style: chr9-130479738-C-T. GRCh37 (hg19) VCF-style: chr9-133355125-C-T.
Other names: c.711C>T, p.Asn237= (NM_000050.4).
Identifiers: ClinVar variation 387469 (VCV000387469.13), dbSNP rs779981831, ClinGen allele CA5283443.